The following is an entry in ClinVar:

ClinVar aggregate classification (germline): Uncertain significance (1 of 4 stars; one submission).

Submission:

GeneDx
Classification: Uncertain significance. Last evaluated: 2025-08-03. Review status: criteria provided, single submitter. Criteria: GeneDx Variant Classification Process June 2021. Collection method: clinical testing. Allele origin: germline. Affected: yes.
Comment: Not observed at significant frequency in large population cohorts (gnomAD); In silico analysis supports a deleterious effect on splicing; Has not been previously published as pathogenic or benign to our knowledge

NM_001127671.2(LIFR):c.257+3A>C

Gene: LIFR (LIF receptor subunit alpha; minus strand). Cytogenetic location: 5p13.1.
Variant type: single nucleotide variant.
Coding change: c.257+3A>C on transcript NM_001127671.2 (MANE Select); 3 bases into the intron after coding-DNA position 257, A replaced by C.
Molecular consequence: intron variant.
Genome position (GRCh38, 1-based): chr5:38,528,723, T>G on the plus strand (A>C on the coding strand, the complement: LIFR is on the minus strand). VCF-style: chr5-38528723-T-G. GRCh37 (hg19) VCF-style: chr5-38528825-T-G.
Other names: c.257+3A>C (NM_002310.6, NM_001364298.2, NM_001364297.2).
Identifiers: ClinVar variation 4756046 (VCV004756046.1).